The following is an entry in ClinVar:

NM_001256627.2(BRSK2):c.120C>T (p.Val40=)

Gene: BRSK2 (BR serine/threonine kinase 2; plus strand). Cytogenetic location: 11p15.5.
Variant type: single nucleotide variant.
Coding change: c.120C>T on transcript NM_001256627.2 (MANE Select); coding-DNA position 120, C replaced by T.
Protein change: p.Val40=; no amino-acid change (valine 40 retained).
Molecular consequence: synonymous variant. On other transcripts: 5 prime UTR variant (1), non-coding transcript variant (1).
Genome position (GRCh38, 1-based): chr11:1,436,068, C>T. VCF-style: chr11-1436068-C-T. GRCh37 (hg19) VCF-style: chr11-1457298-C-T.
Other names: c.120C>T, p.Val40= (NM_001256629.2, NM_003957.4); c.258C>T, p.Val86= (NM_001256630.1); c.-61C>T (NM_001282218.2).
Identifiers: ClinVar variation 3067640 (VCV003067640.21), dbSNP rs777512058, ClinGen allele CA5810366.

ClinVar aggregate classification (germline): Likely benign (1 of 4 stars; one submission).

Allele frequency attached by ClinVar (database versions not stated): gnomAD 0.00001; gnomAD exomes 0.00001; TOPMed 0.00001; ExAC 0.00006.
gnomAD v4.1: 19 of 1,608,704 alleles (0.0012%); highest among the groups gnomAD compares: Admixed American, 0.0067%; no homozygotes.

Submission:

CeGaT Center for Human Genetics Tuebingen
Classification: Likely benign. Last evaluated: 2024-03-01. Review status: criteria provided, single submitter. Criteria: CeGaT Center For Human Genetics Tuebingen Variant Classification Criteria Version 2. Collection method: clinical testing. Allele origin: germline. Affected: yes. Observed: 1 variant allele.
Comment: BRSK2: BP4, BP7